The following is an entry in ClinVar:

ClinVar aggregate classification (germline): Uncertain significance (1 of 4 stars; one submission).

Submission:

GeneDx
Classification: Uncertain significance. Last evaluated: 2025-09-08. Review status: criteria provided, single submitter. Criteria: GeneDx Variant Classification Process June 2021. Collection method: clinical testing. Allele origin: germline. Affected: yes.
Comment: RNA studies demonstrate a damaging effect by introducing a novel 85bp exon between exons 12 and 13 and creating a shift in reading frame (PMID: 30025578); No data available from control populations to assess the frequency of this variant; This variant is associated with the following publications: (PMID: 30025578)

NM_000256.3(MYBPC3):c.1091-575A>C

Gene: MYBPC3 (myosin binding protein C3; minus strand). Cytogenetic location: 11p11.2.
Variant type: single nucleotide variant.
Coding change: c.1091-575A>C on transcript NM_000256.3 (MANE Select); 575 bases into the intron before coding-DNA position 1091, A replaced by C.
Molecular consequence: intron variant.
Genome position (GRCh38, 1-based): chr11:47,344,199, T>G on the plus strand (A>C on the coding strand, the complement: MYBPC3 is on the minus strand). VCF-style: chr11-47344199-T-G. GRCh37 (hg19) VCF-style: chr11-47365750-T-G.
Identifiers: ClinVar variation 4813365 (VCV004813365.1).